The following is an entry in ClinVar:

NM_020911.2(PLXNA4):c.5352G>T (p.Thr1784=)

Gene: PLXNA4 (plexin A4; minus strand). Cytogenetic location: 7q32.3.
Variant type: single nucleotide variant.
Coding change: c.5352G>T on transcript NM_020911.2 (MANE Select); coding-DNA position 5352, G replaced by T.
Protein change: p.Thr1784=; no amino-acid change (threonine 1784 retained).
Molecular consequence: synonymous variant.
Genome position (GRCh38, 1-based): chr7:132,140,685, C>A on the plus strand (G>T on the coding strand, the complement: PLXNA4 is on the minus strand). VCF-style: chr7-132140685-C-A. GRCh37 (hg19) VCF-style: chr7-131825444-C-A.
Other names: NC_000007.13:g.131825444C>A; c.5352G>T, p.Thr1784= (NM_001393897.1).
Identifiers: ClinVar variation 3054916 (VCV003054916.3), dbSNP rs749115824, ClinGen allele CA4488936.
Genomic context (GRCh38, chr7:132,140,685, plus strand): 5'-GATGTCCTTGGCATACAGCAGCTTGTTGGAGGGCGAGTCCTTGCCCAGCCGGTGCTCTGA[C>A]GTGGAGCAAGAGTCCATGAAGGTCTGAGCCACCACAGAGAGGCAGGCGTCTGTGATGCTG-3'
Protein context (NP_065962.1, residues 1774-1794): VAQTFMDSCS[Thr1784=]SEHRLGKDSP

ClinVar aggregate classification (germline): Likely benign (0 of 4 stars; one submission).

Conditions:
PLXNA4-related disorder. Also called: PLXNA4-related condition.

Allele frequency attached by ClinVar (database versions not stated): ExAC 0.00010.
gnomAD v4.1: 91 of 1,614,094 alleles (0.0056%); highest among the groups gnomAD compares: Middle Eastern, 0.049%; no homozygotes.

Submissions (2):

PreventionGenetics, part of Exact Sciences
Classification: Likely benign for PLXNA4-related condition. Last evaluated: 2021-08-31. Review status: no assertion criteria provided. Collection method: clinical testing. Allele origin: germline.
Comment: This variant is classified as likely benign based on ACMG/AMP sequence variant interpretation guidelines (Richards et al. 2015 PMID: 25741868, with internal and published modifications).

Dr. Peter K. Rogan Lab, Western University
No classification provided (evidence only). Condition: Lung cancer. Review status: no classification provided. Collection method: in vitro. Allele origin: not applicable. Functional consequence: retained intron. Not counted in ClinVar's aggregate classification.